The following is an entry in ClinVar:

ClinVar aggregate classification (germline): Pathogenic. Review status: criteria provided, multiple submitters, no conflicts (2 of 4 stars). 3 submissions from 3 submitters: Pathogenic (3). Last evaluated 2023-12-11.

Conditions:
KBG syndrome (KBGS). Also called: ANKRD11-Related KBG Syndrome. Identifiers: Orphanet 2332, MedGen C0220687, MONDO:0007846, OMIM 148050.

Submissions (3):

GeneDx
Classification: Pathogenic. Last evaluated: 2023-12-11. Review status: criteria provided, single submitter. Criteria: GeneDx Variant Classification Process June 2021. Collection method: clinical testing. Allele origin: germline. Affected: yes.
Comment: Previously reported in association with KBG syndrome (PMID: 35833929); Not observed at significant frequency in large population cohorts (gnomAD); Nonsense variant predicted to result in protein truncation or nonsense mediated decay in a gene for which loss of function is a known mechanism of disease; This variant is associated with the following publications: (PMID: 35833929)

CeGaT Center for Human Genetics Tuebingen
Classification: Pathogenic. Last evaluated: 2021-03-01. Review status: criteria provided, single submitter. Criteria: CeGaT Center For Human Genetics Tuebingen Variant Classification Criteria Version 2. Collection method: clinical testing. Allele origin: germline. Affected: yes. Observed: 2 variant alleles.

Baylor Genetics
Classification: Pathogenic for KBG syndrome. Last evaluated: 2017-09-01. Review status: criteria provided, single submitter. Criteria: ACMG Guidelines, 2015. Collection method: clinical testing. Allele origin: maternal. Inheritance: Autosomal dominant inheritance. Affected: yes.
Comment: This nonsense mutation is categorized as deleterious according to ACMG guidelines (PMID:18414213).

Literature cited by the submitters: PubMed 25326635 (cited by Baylor Genetics).

NM_013275.6(ANKRD11):c.867C>A (p.Tyr289Ter)

Gene: ANKRD11 (ankyrin repeat domain 11; minus strand). Cytogenetic location: 16q24.3.
Variant type: single nucleotide variant.
Coding change: c.867C>A on transcript NM_013275.6 (MANE Select); coding-DNA position 867, C replaced by A.
Protein change: p.Tyr289Ter; replaces tyrosine 289 with a stop codon.
Molecular consequence: nonsense.
Genome position (GRCh38, 1-based): chr16:89,286,064, G>T on the plus strand (C>A on the coding strand, the complement: ANKRD11 is on the minus strand). VCF-style: chr16-89286064-G-T. GRCh37 (hg19) VCF-style: chr16-89352472-G-T.
Other names: c.867C>A, p.Tyr289Ter (NM_001256182.2, NM_001256183.2); short protein forms Y289*.
Identifiers: ClinVar variation 560943 (VCV000560943.42), dbSNP rs761636251, ClinGen allele CA397166292.